The following is an entry in ClinVar:

ClinVar aggregate classification (germline): Likely pathogenic (1 of 4 stars; one submission).

Conditions:
Hereditary cancer-predisposing syndrome. Also called: Neoplastic Syndromes, Hereditary; Tumor predisposition; Hereditary neoplastic syndrome; Hereditary Cancer Syndrome. Identifiers: Orphanet 140162, MedGen C0027672, MeSH D009386, MONDO:0015356.

Submission:

Ambry Genetics
Classification: Likely pathogenic for Hereditary cancer-predisposing syndrome. Last evaluated: 2023-02-08. Review status: criteria provided, single submitter. Criteria: Ambry Variant Classification Scheme 2023. Collection method: clinical testing. Allele origin: germline.
Comment: The c.998-1G>A intronic variant results from a G to A substitution one nucleotide upstream from coding exon 12 of the MUTYH gene. This nucleotide position is well conserved in available vertebrate species. In silico splice site analysis predicts that this alteration will weaken the native splice acceptor site; however, direct evidence is insufficient at this time (Ambry internal data). This variant is considered to be rare based on population cohorts in the Genome Aggregation Database (gnomAD). Alterations that disrupt the canonical splice site are expected to cause aberrant splicing, resulting in an abnormal protein or a transcript that is subject to nonsense-mediated mRNA decay. As such, this alteration is classified as likely pathogenic.

NM_001048174.2(MUTYH):c.914-1G>A

Gene: MUTYH (mutY DNA glycosylase; minus strand). Cytogenetic location: 1p34.1.
Variant type: single nucleotide variant.
Coding change: c.914-1G>A on transcript NM_001048174.2 (MANE Select); the canonical splice acceptor site of the intron before coding-DNA position 914, G replaced by A.
Molecular consequence: splice acceptor variant.
Genome position (GRCh38, 1-based): chr1:45,331,850, C>T on the plus strand (G>A on the coding strand, the complement: MUTYH is on the minus strand). VCF-style: chr1-45331850-C-T. GRCh37 (hg19) VCF-style: chr1-45797522-C-T.
Other names: c.914-1G>A (NM_001407072.1, NM_001407073.1, NM_001048171.2 and 6 more transcripts); c.569-1G>A (NM_001350651.2, NM_001350650.2, NM_001407082.1); c.638-1G>A (NM_001293192.2, NM_001293196.2, NM_001407091.1); c.959-1G>A (NM_001293190.2); c.947-1G>A (NM_001407069.1, NM_001407077.1, NM_001293191.2); c.989-1G>A (NM_012222.3); c.998-1G>A (NM_001128425.2); c.917-1G>A (NM_001407071.1, NM_001048172.2, NM_001407078.1 and 1 more transcripts); and 5 more.
Identifiers: ClinVar variation 2453366 (VCV002453366.2), dbSNP rs2149130255, ClinGen allele CA340133949.